The following is an entry in ClinVar:

NM_000733.4(CD3E):c.611A>G (p.Gln204Arg)

Gene: CD3E (CD3 epsilon subunit of T-cell receptor complex; plus strand). Cytogenetic location: 11q23.3.
Variant type: single nucleotide variant.
Coding change: c.611A>G on transcript NM_000733.4 (MANE Select); coding-DNA position 611, A replaced by G.
Protein change: p.Gln204Arg; replaces glutamine 204 with arginine.
Molecular consequence: missense variant.
Genome position (GRCh38, 1-based): chr11:118,315,529, A>G. VCF-style: chr11-118315529-A-G. GRCh37 (hg19) VCF-style: chr11-118186244-A-G.
Other names: short protein forms Q204R.
Identifiers: ClinVar variation 877999 (VCV000877999.10), dbSNP rs1291390174, ClinGen allele CA382785530.

ClinVar aggregate classification (germline): Uncertain significance. Review status: criteria provided, multiple submitters, no conflicts (2 of 4 stars). 3 submissions from 3 submitters: Uncertain significance (3). Last evaluated 2025-02-07.

Conditions:
Immunodeficiency 18 (IMD18). Also called: CD3epsilon deficiency; CD3-EPSILON DEFICIENCY. Identifiers: MedGen C3810127, MONDO:0014278, OMIM 615615.
Inborn genetic diseases. Identifiers: MedGen C0950123, MeSH D030342.

Allele frequency attached by ClinVar (database versions not stated): gnomAD 0.00001; gnomAD exomes 0.00001 and 0.00003.
gnomAD v4.1: 46 of 1,612,860 alleles (0.0029%); highest among the groups gnomAD compares: Non-Finnish European, 0.0038%; no homozygotes.

Submissions (3):

Ambry Genetics
Classification: Uncertain significance for Inborn genetic diseases. Last evaluated: 2025-02-07. Review status: criteria provided, single submitter. Criteria: Ambry Variant Classification Scheme 2023. Collection method: clinical testing. Allele origin: germline.

Labcorp Genetics (formerly Invitae), Labcorp
Classification: Uncertain significance for Immunodeficiency 18. Last evaluated: 2021-08-27. Review status: criteria provided, single submitter. Criteria: Invitae Variant Classification Sherloc (09022015). Collection method: clinical testing. Allele origin: germline.
Comment: This sequence change replaces glutamine with arginine at codon 204 of the CD3E protein (p.Gln204Arg). The glutamine residue is highly conserved and there is a small physicochemical difference between glutamine and arginine. This variant is not present in population databases (ExAC no frequency). This variant has not been reported in the literature in individuals affected with CD3E-related conditions. Algorithms developed to predict the effect of missense changes on protein structure and function are either unavailable or do not agree on the potential impact of this missense change (SIFT: "Tolerated"; PolyPhen-2: "Probably Damaging"; Align-GVGD: "Class C0"). In summary, the available evidence is currently insufficient to determine the role of this variant in disease. Therefore, it has been classified as a Variant of Uncertain Significance.

Illumina Laboratory Services, Illumina
Classification: Uncertain significance for Immunodeficiency 18. Last evaluated: 2018-01-13. Review status: criteria provided, single submitter. Criteria: ICSL Variant Classification Criteria 13 December 2019. Collection method: clinical testing. Allele origin: germline.